The following is an entry in ClinVar:

ClinVar aggregate classification (germline): Conflicting classifications of pathogenicity. Review status: criteria provided, conflicting classifications (1 of 4 stars). 5 submissions from 5 submitters: Uncertain significance (1); Likely benign (3). 1 of the submissions does not count toward it. Last evaluated 2026-02-04.

Conditions:
Hereditary cancer. Identifiers: MedGen C1333600.
BRCA2-related disorder. Also called: BRCA2-related condition; BRCA2-related disorders. Identifiers: MedGen CN239275.
Hereditary breast ovarian cancer syndrome. Also called: Hereditary breast and ovarian cancer; Breast and ovarian cancer; Hereditary breast and/or ovarian cancer syndrome; BRCA1- and BRCA2-Associated Hereditary Breast and Ovarian Cancer; Hereditary breast and ovarian cancer syndrome; Hereditary breast and ovarian cancer syndrome (HBOC). Identifiers: Orphanet 145, MedGen C0677776, MeSH D061325, MONDO:0003582. Disease mechanism: loss of function.
Breast-ovarian cancer, familial, susceptibility to, 2 (BROVCA2). Also called: BRCA2 Hereditary Breast and Ovarian Cancer. Identifiers: Orphanet 145, MedGen C2675520, MONDO:0012933, OMIM 612555. Disease mechanism: loss of function.

Allele frequency attached by ClinVar (database versions not stated): gnomAD 0.00003 and 0.00004; TOPMed 0.00004.

Submissions (5):

Labcorp Genetics (formerly Invitae), Labcorp
Classification: Likely benign for Hereditary breast ovarian cancer syndrome. Last evaluated: 2026-02-04. Review status: criteria provided, single submitter. Criteria: Invitae Variant Classification Sherloc (09022015). Collection method: clinical testing. Allele origin: germline.

Mendelics
Classification: Likely benign for Hereditary cancer. Last evaluated: 2025-02-27. Review status: criteria provided, single submitter. Criteria: ACMG Guidelines, 2015. Collection method: clinical testing. Allele origin: unknown.
Comment: This variant is considered likely benign or benign based on one or more of the following: it is predicted to be benign by multiple in silico algorithms, and/or has population frequency not consistent with disease, and/or has normal protein function, and/or has lack of segregation with disease, and/or has been detected in co-occurrence with known pathogenic variant, and/or has lack of disease association in case-control studies, and/or is located in a region inconsistent with a known cause of pathogenicity.

GeneDx
Classification: Likely benign. Last evaluated: 2017-08-23. Review status: criteria provided, single submitter. Criteria: GeneDx Variant Classification (06012015). Collection method: clinical testing. Allele origin: germline. Affected: yes.
Comment: This variant is considered likely benign or benign based on one or more of the following criteria: it is a conservative change, it occurs at a poorly conserved position in the protein, it is predicted to be benign by multiple in silico algorithms, and/or has population frequency not consistent with disease.

Quest Diagnostics Nichols Institute San Juan Capistrano
Classification: Uncertain significance for Breast-ovarian cancer, familial, susceptibility to, 2. Last evaluated: 2016-03-23. Review status: criteria provided, single submitter. Criteria: Quest Diagnostics criteria. Collection method: clinical testing. Allele origin: germline. Inheritance: Autosomal dominant inheritance.

PreventionGenetics, part of Exact Sciences
Classification: Likely benign for BRCA2-related condition. Last evaluated: 2019-04-26. Review status: no assertion criteria provided. Collection method: clinical testing. Allele origin: germline. Not counted in ClinVar's aggregate classification.
Comment: This variant is classified as likely benign based on ACMG/AMP sequence variant interpretation guidelines (Richards et al. 2015 PMID: 25741868, with internal and published modifications).

Literature cited by the submitters: PubMed 26295337 (cited by Quest Diagnostics Nichols Institute San Juan Capistrano).

NM_000059.4(BRCA2):c.-41G>A

Genes: BRCA2 (BRCA2 DNA repair associated; plus strand), LOC106721785 (BRCA2 promoter/silencer region; plus strand). Cytogenetic location: 13q13.1.
Variant type: single nucleotide variant.
Coding change: c.-41G>A on transcript NM_000059.4 (MANE Select); 41 bases upstream of the start codon, G replaced by A.
Molecular consequence: 5 prime UTR variant.
Genome position (GRCh38, 1-based): chr13:32,315,666, G>A. VCF-style: chr13-32315666-G-A. GRCh37 (hg19) VCF-style: chr13-32889803-G-A.
Identifiers: ClinVar variation 252427 (VCV000252427.17), dbSNP rs879255312, ClinGen allele CA10585889.